The following is an entry in ClinVar:

NM_000312.4(PROC):c.825G>C (p.Lys275Asn)

Gene: PROC (protein C, inactivator of coagulation factors Va and VIIIa; plus strand). Cytogenetic location: 2q14.3.
Variant type: single nucleotide variant.
Coding change: c.825G>C on transcript NM_000312.4 (MANE Select); coding-DNA position 825, G replaced by C.
Protein change: p.Lys275Asn; replaces lysine 275 with asparagine.
Molecular consequence: missense variant.
Genome position (GRCh38, 1-based): chr2:127,428,385, G>C. VCF-style: chr2-127428385-G-C. GRCh37 (hg19) VCF-style: chr2-128185961-G-C.
Other names: c.1008G>C, p.Lys336Asn (NM_001375602.1); c.990G>C, p.Lys330Asn (NM_001375603.1); c.888G>C, p.Lys296Asn (NM_001375604.1); c.927G>C, p.Lys309Asn (NM_001375605.1); c.993G>C, p.Lys331Asn (NM_001375606.1); c.1011G>C, p.Lys337Asn (NM_001375607.1); c.768G>C, p.Lys256Asn (NM_001375608.1); c.801G>C, p.Lys267Asn (NM_001375609.1); and 2 more; short protein forms K256N, K267N, K273N, K309N, K275N, K330N, K337N, K296N.
Identifiers: ClinVar variation 3016997 (VCV003016997.2), dbSNP rs753825629, ClinGen allele CA55350579.

ClinVar aggregate classification (germline): Uncertain significance (1 of 4 stars; one submission).

Conditions:
Thrombophilia due to protein C deficiency, autosomal dominant. Also called: PROC DEFICIENCY, AUTOSOMAL DOMINANT; PROTEIN C DEFICIENCY, AUTOSOMAL DOMINANT. Identifiers: Orphanet 745, MedGen C2674321, MONDO:0008316, OMIM 176860. Disease mechanism: loss of function.

Allele frequency attached by ClinVar (database versions not stated): gnomAD 0.00002.
gnomAD v4.1: 23 of 1,614,004 alleles (0.0014%); highest among the groups gnomAD compares: Non-Finnish European, 0.0018%; no homozygotes.

Submission:

Labcorp Genetics (formerly Invitae), Labcorp
Classification: Uncertain significance for Thrombophilia due to protein C deficiency, autosomal dominant. Last evaluated: 2024-01-12. Review status: criteria provided, single submitter. Criteria: Invitae Variant Classification Sherloc (09022015). Collection method: clinical testing. Allele origin: germline.
Comment: This sequence change replaces lysine, which is basic and polar, with asparagine, which is neutral and polar, at codon 275 of the PROC protein (p.Lys275Asn). This variant is present in population databases (no rsID available, gnomAD 0.004%). This variant has not been reported in the literature in individuals affected with PROC-related conditions. Advanced modeling of protein sequence and biophysical properties (such as structural, functional, and spatial information, amino acid conservation, physicochemical variation, residue mobility, and thermodynamic stability) performed at Invitae indicates that this missense variant is not expected to disrupt PROC protein function with a negative predictive value of 80%. In summary, the available evidence is currently insufficient to determine the role of this variant in disease. Therefore, it has been classified as a Variant of Uncertain Significance.